The following is an entry in ClinVar:

NM_000431.4(MVK):c.956G>C (p.Cys319Ser)

Gene: MVK (mevalonate kinase; plus strand). Cytogenetic location: 12q24.11.
Variant type: single nucleotide variant.
Coding change: c.956G>C on transcript NM_000431.4 (MANE Select); coding-DNA position 956, G replaced by C.
Protein change: p.Cys319Ser; replaces cysteine 319 with serine.
Molecular consequence: missense variant. On other transcripts: non-coding transcript variant (4).
Genome position (GRCh38, 1-based): chr12:109,595,098, G>C. VCF-style: chr12-109595098-G-C. GRCh37 (hg19) VCF-style: chr12-110032903-G-C.
Other names: c.956G>C, p.Cys319Ser (NM_001114185.3, NM_001414511.1, NM_001414513.1); c.800G>C, p.Cys267Ser (NM_001301182.2, NM_001414514.1); c.1031G>C, p.Cys344Ser (NM_001414512.1); c.374G>C, p.Cys125Ser (NM_001414515.1); short protein forms C125S, C267S, C319S, C344S.
Identifiers: ClinVar variation 4854766 (VCV004854766.1).
Genomic context (GRCh38, chr12:109,595,098, plus strand): 5'-ACATGAACCAGCACCATCTGAATGCCCTCGGCGTGGGCCACGCCTCTCTGGACCAGCTCT[G>C]CCAGGTGACCAGGGCCCGCGGACTTCACAGCAAGCTGACTGGCGCAGGCGGTGGTGGCTG-3'
Protein context (NP_000422.1, residues 309-329): GVGHASLDQL[Cys319Ser]QVTRARGLHS

ClinVar aggregate classification (germline): Uncertain significance (1 of 4 stars; one submission).

Conditions:
Hyperimmunoglobulin D with periodic fever (HIDS). Also called: Hyperimmunoglobulinemia D; Hyperimmunoglobulinemia D with periodic fever; HYPERIMMUNOGLOBULINEMIA D AND PERIODIC FEVER SYNDROME. Identifiers: Orphanet 343, MedGen C0398691, MONDO:0009849, OMIM 260920.

gnomAD v4.1: 18 of 1,614,212 alleles (0.0011%); highest among the groups gnomAD compares: Non-Finnish European, 0.0014%; no homozygotes.

Submission:

3billion
Classification: Uncertain significance for Hyperimmunoglobulin D with periodic fever. Last evaluated: 2025-09-10. Review status: criteria provided, single submitter. Criteria: ACMG Guidelines, 2015. Collection method: clinical testing. Allele origin: germline. Affected: yes.
Comment: The variant is observed at an extremely low frequency in the gnomAD v4.1.0 dataset (total allele frequency: 0.001%). Predicted Consequence/Location: Missense variant In silico tool predictions suggest damaging effect of the variant on gene or gene product [REVEL: 0.84 (>=0.6, sensitivity 0.68 and specificity 0.92); 3Cnet: 0.89 (> 0.75, sensitivity 0.96 and precision 0.92)]. Therefore, this variant is classified as VUS according to the recommendation of ACMG/AMP guideline.